The following is an entry in ClinVar:

NM_004655.4(AXIN2):c.2428G>C (p.Asp810His)

Gene: AXIN2 (axin 2; minus strand). Cytogenetic location: 17q24.1.
Variant type: single nucleotide variant.
Coding change: c.2428G>C on transcript NM_004655.4 (MANE Select); coding-DNA position 2428, G replaced by C.
Protein change: p.Asp810His; replaces aspartic acid 810 with histidine.
Molecular consequence: missense variant.
Genome position (GRCh38, 1-based): chr17:65,530,080, C>G on the plus strand (G>C on the coding strand, the complement: AXIN2 is on the minus strand). VCF-style: chr17-65530080-C-G. GRCh37 (hg19) VCF-style: chr17-63526198-C-G.
Other names: c.2428G>C (NM_004655.3); c.2233G>C, p.Asp745His (NM_001363813.1); short protein forms D810H, D745H.
Identifiers: ClinVar variation 1422755 (VCV001422755.9), dbSNP rs140344858, ClinGen allele CA400674937.
Genomic context (GRCh38, chr17:65,530,080, plus strand): 5'-TCGGGAGCACCGTCTCATCCTCCCAGATCTCCTCAAACACCGCTCCACAGGCAAACTCAT[C>G]GCTTGCTTTTTTGAAGTAATACCTTAAAAGGAAAACCAAAAAAGCTTCTTGGTAAACTGC-3'
Protein context (NP_004646.3, residues 800-820): NYRYYFKKAS[Asp810His]EFACGAVFEE

ClinVar aggregate classification (germline): Conflicting classifications of pathogenicity. Review status: criteria provided, conflicting classifications (1 of 4 stars). 2 submissions from 2 submitters: Likely pathogenic (1); Uncertain significance (1). Last evaluated 2024-08-27.

Conditions:
Oligodontia-cancer predisposition syndrome. Also called: TOOTH AGENESIS-COLORECTAL CANCER SYNDROME. Identifiers: Orphanet 300576, MedGen C1837750, MONDO:0012075, OMIM 608615. Disease mechanism: loss of function.
Ovarian cancer. Also called: OVARIAN CANCER, SOMATIC. Identifiers: Orphanet 213500, MedGen C1140680, MONDO:0008170, OMIM 167000.

Submissions (2):

Labcorp Genetics (formerly Invitae), Labcorp
Classification: Uncertain significance for Oligodontia-cancer predisposition syndrome. Last evaluated: 2024-08-27. Review status: criteria provided, single submitter. Criteria: Invitae Variant Classification Sherloc (09022015). Collection method: clinical testing. Allele origin: germline.
Comment: This sequence change replaces aspartic acid, which is acidic and polar, with histidine, which is basic and polar, at codon 810 of the AXIN2 protein (p.Asp810His). This variant is not present in population databases (gnomAD no frequency). This variant has not been reported in the literature in individuals affected with AXIN2-related conditions. ClinVar contains an entry for this variant (Variation ID: 1422755). Invitae Evidence Modeling of protein sequence and biophysical properties (such as structural, functional, and spatial information, amino acid conservation, physicochemical variation, residue mobility, and thermodynamic stability) indicates that this missense variant is not expected to disrupt AXIN2 protein function with a negative predictive value of 80%. In summary, the available evidence is currently insufficient to determine the role of this variant in disease. Therefore, it has been classified as a Variant of Uncertain Significance.

Laboratory of Molecular Epidemiology of Birth Defects, West China Second University Hospital, Sichuan University
Classification: Likely pathogenic for Ovarian cancer. Last evaluated: 2022-01-01. Review status: criteria provided, single submitter. Criteria: ACMG Guidelines, 2015. Collection method: clinical testing. Allele origin: germline. Affected: yes.